The following is an entry in ClinVar:

ClinVar aggregate classification (germline): Uncertain significance (1 of 4 stars; one submission).

Submission:

Labcorp Genetics (formerly Invitae), Labcorp
Classification: Uncertain significance. Last evaluated: 2023-10-24. Review status: criteria provided, single submitter. Criteria: Invitae Variant Classification Sherloc (09022015). Collection method: clinical testing. Allele origin: unknown.
Comment: A copy number gain of the genomic region encompassing the full coding sequence of the ITGAM gene has been identified. The boundaries of this event are unknown as they extend beyond the assayed region for this gene and therefore may encompass additional genes. As the precise location of this event is unknown, it may be in tandem or it may be located elsewhere in the genome. This variant has not been reported in the literature in individuals affected with ITGAM-related conditions. In summary, the available evidence is currently insufficient to determine the role of this variant in disease. Therefore, it has been classified as a Variant of Uncertain Significance.

NC_000016.9:g.(?_31271386)_(31343028_?)dup

Gene: ITGAM (integrin subunit alpha M; plus strand). Cytogenetic location: 16p11.2.
Variant type: Duplication.
Identifiers: ClinVar variation 3243587 (VCV003243587.1).